The following is an entry in ClinVar:

NM_024675.4(PALB2):c.2668G>A (p.Ala890Thr)

Gene: PALB2 (partner and localizer of BRCA2; minus strand). Cytogenetic location: 16p12.2.
Variant type: single nucleotide variant.
Coding change: c.2668G>A on transcript NM_024675.4 (MANE Select); coding-DNA position 2668, G replaced by A.
Protein change: p.Ala890Thr; replaces alanine 890 with threonine.
Molecular consequence: missense variant.
Genome position (GRCh38, 1-based): chr16:23,626,316, C>T on the plus strand (G>A on the coding strand, the complement: PALB2 is on the minus strand). VCF-style: chr16-23626316-C-T. GRCh37 (hg19) VCF-style: chr16-23637637-C-T.
Other names: short protein forms A890T.
Identifiers: ClinVar variation 486011 (VCV000486011.15), dbSNP rs1555459971, ClinGen allele CA395122061.

ClinVar aggregate classification (germline): Uncertain significance. Review status: criteria provided, multiple submitters, no conflicts (2 of 4 stars). 2 submissions from 2 submitters: Uncertain significance (2). Last evaluated 2024-10-24.

Conditions:
Hereditary cancer-predisposing syndrome. Also called: Tumor predisposition; Hereditary Cancer Syndrome; Hereditary neoplastic syndrome; Neoplastic Syndromes, Hereditary. Identifiers: Orphanet 140162, MedGen C0027672, MeSH D009386, MONDO:0015356.
Familial cancer of breast. Also called: hereditary breast carcinoma; BREAST CANCER, FAMILIAL; Hereditary breast cancer. Identifiers: Orphanet 227535, MedGen C0346153, MONDO:0016419, OMIM 114480. Disease mechanism: loss of function.

Allele frequency attached by ClinVar (database versions not stated): gnomAD exomes 0.00001.
gnomAD v4.1: 3 of 1,614,150 alleles (0.00019%); highest among the groups gnomAD compares: Middle Eastern, 0.033%; no homozygotes.

Submissions (2):

Labcorp Genetics (formerly Invitae), Labcorp
Classification: Uncertain significance for Familial cancer of breast. Last evaluated: 2024-10-24. Review status: criteria provided, single submitter. Criteria: Invitae Variant Classification Sherloc (09022015). Collection method: clinical testing. Allele origin: germline.
Comment: This sequence change replaces alanine, which is neutral and non-polar, with threonine, which is neutral and polar, at codon 890 of the PALB2 protein (p.Ala890Thr). This variant is not present in population databases (gnomAD no frequency). This variant has not been reported in the literature in individuals affected with PALB2-related conditions. ClinVar contains an entry for this variant (Variation ID: 486011). Invitae Evidence Modeling of protein sequence and biophysical properties (such as structural, functional, and spatial information, amino acid conservation, physicochemical variation, residue mobility, and thermodynamic stability) indicates that this missense variant is expected to disrupt PALB2 protein function with a positive predictive value of 80%. In summary, the available evidence is currently insufficient to determine the role of this variant in disease. Therefore, it has been classified as a Variant of Uncertain Significance.

Ambry Genetics
Classification: Uncertain significance for Hereditary cancer-predisposing syndrome. Last evaluated: 2024-04-11. Review status: criteria provided, single submitter. Criteria: Ambry Variant Classification Scheme 2023. Collection method: clinical testing. Allele origin: germline.
Comment: The p.A890T variant (also known as c.2668G>A), located in coding exon 7 of the PALB2 gene, results from a G to A substitution at nucleotide position 2668. The alanine at codon 890 is replaced by threonine, an amino acid with similar properties. This amino acid position is highly conserved in available vertebrate species. In addition, the in silico prediction for this alteration is inconclusive. Since supporting evidence is limited at this time, the clinical significance of this alteration remains unclear.